The following is an entry in ClinVar:

NM_001204.7(BMPR2):c.769A>G (p.Ile257Val)

Gene: BMPR2 (bone morphogenetic protein receptor type 2; plus strand). Cytogenetic location: 2q33.2.
Variant type: single nucleotide variant.
Coding change: c.769A>G on transcript NM_001204.7 (MANE Select); coding-DNA position 769, A replaced by G.
Protein change: p.Ile257Val; replaces isoleucine 257 with valine.
Molecular consequence: missense variant.
Genome position (GRCh38, 1-based): chr2:202,518,969, A>G. VCF-style: chr2-202518969-A-G. GRCh37 (hg19) VCF-style: chr2-203383692-A-G.
Other names: short protein forms I257V.
Identifiers: ClinVar variation 3703006 (VCV003703006.4).

ClinVar aggregate classification (germline): Uncertain significance. Review status: criteria provided, multiple submitters, no conflicts (2 of 4 stars). 3 submissions from 3 submitters: Uncertain significance (3). Last evaluated 2024-12-21.

Conditions:
Inborn genetic diseases. Identifiers: MedGen C0950123, MeSH D030342.
Primary pulmonary hypertension. Also called: Idiopathic pulmonary hypertension. Identifiers: MedGen C0152171.

Submissions (3):

Ambry Genetics
Classification: Uncertain significance for Inborn genetic diseases. Last evaluated: 2024-12-21. Review status: criteria provided, single submitter. Criteria: Ambry Variant Classification Scheme 2023. Collection method: clinical testing. Allele origin: germline.
Comment: The p.I257V variant (also known as c.769A>G), located in coding exon 6 of the BMPR2 gene, results from an A to G substitution at nucleotide position 769. The isoleucine at codon 257 is replaced by valine, an amino acid with highly similar properties. This amino acid position is conserved. In addition, this alteration is predicted to be deleterious by in silico analysis. Based on the available evidence, the clinical significance of this variant remains unclear.

Labcorp Genetics (formerly Invitae), Labcorp
Classification: Uncertain significance for Primary pulmonary hypertension. Last evaluated: 2024-06-30. Review status: criteria provided, single submitter. Criteria: Invitae Variant Classification Sherloc (09022015). Collection method: clinical testing. Allele origin: germline.
Comment: This sequence change replaces isoleucine, which is neutral and non-polar, with valine, which is neutral and non-polar, at codon 257 of the BMPR2 protein (p.Ile257Val). This variant is not present in population databases (gnomAD no frequency). This variant has not been reported in the literature in individuals affected with BMPR2-related conditions. Advanced modeling of protein sequence and biophysical properties (such as structural, functional, and spatial information, amino acid conservation, physicochemical variation, residue mobility, and thermodynamic stability) performed at Invitae indicates that this missense variant is not expected to disrupt BMPR2 protein function with a negative predictive value of 95%. In summary, the available evidence is currently insufficient to determine the role of this variant in disease. Therefore, it has been classified as a Variant of Uncertain Significance.

Blueprint Genetics
Classification: Uncertain significance. Last evaluated: 2021-03-05. Review status: criteria provided, single submitter. Criteria: ACMG Guidelines, 2015. Collection method: clinical testing. Allele origin: germline.